The following is an entry in ClinVar:

NM_144687.4(NLRP12):c.2442G>A (p.Gly814=)

Gene: NLRP12 (NLR family pyrin domain containing 12; minus strand). Cytogenetic location: 19q13.42.
Variant type: single nucleotide variant.
Coding change: c.2442G>A on transcript NM_144687.4 (MANE Select); coding-DNA position 2442, G replaced by A.
Protein change: p.Gly814=; no amino-acid change (glycine 814 retained).
Molecular consequence: synonymous variant.
Genome position (GRCh38, 1-based): chr19:53,804,095, C>T on the plus strand (G>A on the coding strand, the complement: NLRP12 is on the minus strand). VCF-style: chr19-53804095-C-T. GRCh37 (hg19) VCF-style: chr19-54307349-C-T.
Other names: c.2445G>A, p.Gly815= (NM_001277126.2); c.2442G>A, p.Gly814= (NM_001277129.1).
Identifiers: ClinVar variation 330020 (VCV000330020.18), dbSNP rs140247843, ClinGen allele CA9639070.

ClinVar aggregate classification (germline): Benign. Review status: criteria provided, multiple submitters, no conflicts (2 of 4 stars). 4 submissions from 4 submitters: Benign (3). 1 of the submissions does not count toward it. Last evaluated 2026-01-07.

Conditions:
NLRP12-related disorder. Also called: NLRP12-related condition; NLRP12-related conditions.
Familial cold autoinflammatory syndrome 2 (FCAS2). Identifiers: Orphanet 247868, MedGen C2673198, MONDO:0012724, OMIM 611762.

Allele frequency attached by ClinVar (database versions not stated): gnomAD exomes 0.00004 and 0.00012; ExAC 0.00016; gnomAD 0.00036; TOPMed 0.00040; 1000 Genomes Project 30x 0.00047; 1000 Genomes Project 0.00060; ESP Exome Variant Server 0.00077.
gnomAD v4.1: 107 of 1,614,076 alleles (0.0066%); highest among the groups gnomAD compares: African/African-American, 0.13%; no homozygotes.

Submissions (4):

Labcorp Genetics (formerly Invitae), Labcorp
Classification: Benign for Familial cold autoinflammatory syndrome 2. Last evaluated: 2026-01-07. Review status: criteria provided, single submitter. Criteria: Invitae Variant Classification Sherloc (09022015). Collection method: clinical testing. Allele origin: germline.

Women's Health and Genetics/Laboratory Corporation of America, LabCorp
Classification: Benign. Last evaluated: 2025-11-12. Review status: criteria provided, single submitter. Criteria: LabCorp Variant Classification Summary - May 2015. Collection method: clinical testing. Allele origin: germline.

Illumina Laboratory Services, Illumina
Classification: Benign for Familial cold autoinflammatory syndrome 2. Last evaluated: 2018-01-13. Review status: criteria provided, single submitter. Criteria: ICSL Variant Classification Criteria 13 December 2019. Collection method: clinical testing. Allele origin: germline.
Comment: This variant was observed in the ICSL laboratory as part of a predisposition screen in an ostensibly healthy population. It had not been previously curated by ICSL or reported in the Human Gene Mutation Database (HGMD: prior to June 1st, 2018), and was therefore a candidate for classification through an automated scoring system. Utilizing variant allele frequency, disease prevalence and penetrance estimates, and inheritance mode, an automated score was calculated to assess if this variant is too frequent to cause the disease. Based on the score and internal cut-off values, a variant classified as benign is not then subjected to further curation. The score for this variant resulted in a classification of benign for this disease.

PreventionGenetics, part of Exact Sciences
Classification: Likely benign for NLRP12-related condition. Last evaluated: 2019-12-06. Review status: no assertion criteria provided. Collection method: clinical testing. Allele origin: germline. Not counted in ClinVar's aggregate classification.
Comment: This variant is classified as likely benign based on ACMG/AMP sequence variant interpretation guidelines (Richards et al. 2015 PMID: 25741868, with internal and published modifications).